The following is an entry in ClinVar:

ClinVar aggregate classification (germline): Uncertain significance (1 of 4 stars; one submission).

Conditions:
Migraine, familial hemiplegic, 2. Identifiers: Orphanet 569, MedGen C1865322, MONDO:0011232, OMIM 602481.

Submission:

Department of Paediatrics at Addenbrookes, Cambridge University Hospitals NHS Foundation Trust (UK)
Classification: Uncertain significance for Migraine, familial hemiplegic, 2. Last evaluated: 2025-05-27. Review status: criteria provided, single submitter. Criteria: Durkie Uk Practice Guidelines For Variant Classification V12 2024 (1). Collection method: clinical testing. Allele origin: unknown.
Comment: PM2_Moderate; PP2_Supporting; PP3_Supporting

NM_000702.4(ATP1A2):c.2705A>T (p.Glu902Val)

Gene: ATP1A2 (ATPase Na+/K+ transporting subunit alpha 2; plus strand). Cytogenetic location: 1q23.2.
Variant type: single nucleotide variant.
Coding change: c.2705A>T on transcript NM_000702.4 (MANE Select); coding-DNA position 2705, A replaced by T.
Protein change: p.Glu902Val; replaces glutamic acid 902 with valine.
Molecular consequence: missense variant.
Genome position (GRCh38, 1-based): chr1:160,136,711, A>T. VCF-style: chr1-160136711-A-T. GRCh37 (hg19) VCF-style: chr1-160106501-A-T.
Other names: short protein forms E902V.
Identifiers: ClinVar variation 4279541 (VCV004279541.1).